The following is an entry in ClinVar:

NM_012123.4(MTO1):c.1846T>C (p.Tyr616His)

Gene: MTO1 (mitochondrial tRNA translation optimization 1; plus strand). Cytogenetic location: 6q13.
Variant type: single nucleotide variant.
Coding change: c.1846T>C on transcript NM_012123.4 (MANE Select); coding-DNA position 1846, T replaced by C.
Protein change: p.Tyr616His; replaces tyrosine 616 with histidine.
Molecular consequence: missense variant.
Genome position (GRCh38, 1-based): chr6:73,497,825, T>C. VCF-style: chr6-73497825-T-C. GRCh37 (hg19) VCF-style: chr6-74207548-T-C.
Other names: c.1966T>C, p.Tyr656His (NM_001123226.2); c.1921T>C, p.Tyr641His (NM_133645.3); short protein forms Y616H, Y641H, Y656H.
Identifiers: ClinVar variation 1361759 (VCV001361759.3), dbSNP rs751088619, ClinGen allele CA3889766.

ClinVar aggregate classification (germline): Uncertain significance (1 of 4 stars; one submission).

Conditions:
Mitochondrial hypertrophic cardiomyopathy with lactic acidosis due to MTO1 deficiency. Also called: CARDIOMYOPATHY, INFANTILE HYPERTROPHIC MITOCHONDRIAL, AND LACTIC ACIDOSIS; Combined oxidative phosphorylation deficiency 10. Identifiers: Orphanet 314637, MedGen C4749921, MONDO:0013865, OMIM 614702.

Allele frequency attached by ClinVar (database versions not stated): ExAC 0.00001; gnomAD exomes 0.00001; gnomAD 0.00003 and 0.00004.
gnomAD v4.1: 37 of 1,613,832 alleles (0.0023%); highest among the groups gnomAD compares: Non-Finnish European, 0.0031%; no homozygotes.

Submission:

Labcorp Genetics (formerly Invitae), Labcorp
Classification: Uncertain significance for Mitochondrial hypertrophic cardiomyopathy with lactic acidosis due to MTO1 deficiency. Last evaluated: 2022-08-20. Review status: criteria provided, single submitter. Criteria: Invitae Variant Classification Sherloc (09022015). Collection method: clinical testing. Allele origin: germline.
Comment: This sequence change replaces tyrosine, which is neutral and polar, with histidine, which is basic and polar, at codon 616 of the MTO1 protein (p.Tyr616His). This variant is present in population databases (rs751088619, gnomAD 0.003%). This variant has not been reported in the literature in individuals affected with MTO1-related conditions. ClinVar contains an entry for this variant (Variation ID: 1361759). Algorithms developed to predict the effect of missense changes on protein structure and function (SIFT, PolyPhen-2, Align-GVGD) all suggest that this variant is likely to be disruptive. In summary, the available evidence is currently insufficient to determine the role of this variant in disease. Therefore, it has been classified as a Variant of Uncertain Significance.